The following is an entry in ClinVar:

ClinVar aggregate classification (germline): Uncertain significance (1 of 4 stars; one submission).

Submission:

Mayo Clinic Laboratories, Mayo Clinic
Classification: Uncertain significance. Last evaluated: 2024-04-11. Review status: criteria provided, single submitter. Criteria: ACMG Guidelines, 2015. Collection method: clinical testing. Allele origin: germline. Observed: 1 variant allele.
Comment: BP4, PM2

NM_001367624.2(ZNF469):c.2355C>G (p.Asp785Glu)

Gene: ZNF469 (zinc finger protein 469; plus strand). Cytogenetic location: 16q24.2.
Variant type: single nucleotide variant.
Coding change: c.2355C>G on transcript NM_001367624.2 (MANE Select); coding-DNA position 2355, C replaced by G.
Protein change: p.Asp785Glu; replaces aspartic acid 785 with glutamic acid.
Molecular consequence: missense variant.
Genome position (GRCh38, 1-based): chr16:88,429,825, C>G. VCF-style: chr16-88429825-C-G. GRCh37 (hg19) VCF-style: chr16-88496233-C-G.
Other names: p.Asp785Glu; short protein forms D785E.
Identifiers: ClinVar variation 3380411 (VCV003380411.1).
Genomic context (GRCh38, chr16:88,429,825, plus strand): 5'-GCGGTCTCCAGGCCCCCCTGGGCTCCCCTCGCCCCCCGCTGCCCCCAGAGTCCCTGCCGA[C>G]GCACACGCGGGCTTGCTCAGCCACGCGAAGACCTTCCTGTTAGCTGGGGACGCCCAGGCC-3'
Protein context (NP_001354553.1, residues 775-795): SPPAAPRVPA[Asp785Glu]AHAGLLSHAK